The following is an entry in ClinVar:

NM_206937.2(LIG4):c.687T>C (p.His229=)

Gene: LIG4 (DNA ligase 4; minus strand). Cytogenetic location: 13q33.3.
Variant type: single nucleotide variant.
Coding change: c.687T>C on transcript NM_206937.2 (MANE Select); coding-DNA position 687, T replaced by C.
Protein change: p.His229=; no amino-acid change (histidine 229 retained).
Molecular consequence: synonymous variant.
Genome position (GRCh38, 1-based): chr13:108,210,582, A>G on the plus strand (T>C on the coding strand, the complement: LIG4 is on the minus strand). VCF-style: chr13-108210582-A-G. GRCh37 (hg19) VCF-style: chr13-108862930-A-G.
Other names: c.687T>C, p.His229= (NM_001098268.2, NM_001352598.2, NM_001352599.2 and 6 more transcripts); c.486T>C, p.His162= (NM_001330595.2); c.723T>C, p.His241= (NM_001352604.2).
Identifiers: ClinVar variation 3031432 (VCV003031432.2), dbSNP rs2501618322, ClinGen allele CA484975966.
Genomic context (GRCh38, chr13:108,210,582, plus strand): 5'-CATTGGTTTAAATGCAGAAAATAAAGTGATAGAAATATCACTGAGTCCTACAGAAGGATC[A>G]TGCAGTTGCCTACAGACTTTTTCCAGATCTGTAGTGACATTATGCAACTCAGCAGCATCA-3'
Protein context (NP_996820.1, residues 219-239): TDLEKVCRQL[His229=]DPSVGLSDIS

ClinVar aggregate classification (germline): Likely benign (0 of 4 stars; one submission).

Conditions:
LIG4-related disorder. Also called: LIG4-related condition; LIG4-related disorders. Identifiers: MedGen CN239380.

Submission:

PreventionGenetics, part of Exact Sciences
Classification: Likely benign for LIG4-related condition. Last evaluated: 2021-03-17. Review status: no assertion criteria provided. Collection method: clinical testing. Allele origin: germline.
Comment: This variant is classified as likely benign based on ACMG/AMP sequence variant interpretation guidelines (Richards et al. 2015 PMID: 25741868, with internal and published modifications).